The following is an entry in ClinVar:

NM_024306.5(FA2H):c.769C>T (p.His257Tyr)

Gene: FA2H (fatty acid 2-hydroxylase; minus strand). Cytogenetic location: 16q23.1.
Variant type: single nucleotide variant.
Coding change: c.769C>T on transcript NM_024306.5 (MANE Select); coding-DNA position 769, C replaced by T.
Protein change: p.His257Tyr; replaces histidine 257 with tyrosine.
Molecular consequence: missense variant.
Genome position (GRCh38, 1-based): chr16:74,719,005, G>A on the plus strand (C>T on the coding strand, the complement: FA2H is on the minus strand). VCF-style: chr16-74719005-G-A. GRCh37 (hg19) VCF-style: chr16-74752903-G-A.
Other names: short protein forms H257Y.
Identifiers: ClinVar variation 4855066 (VCV004855066.1).
Genomic context (GRCh38, chr16:74,719,005, plus strand): 5'-GGCTGCACATGCTAGGTCCGGGCTGGGACCCCGCCCCGCTCACCTTGTGGTGCTGGCCGT[G>A]CATGACGAAGTGCAGCATGATGAGGTAATAGCTGTCGCTGGGGGGCTTCATGTGGAACAG-3'
Protein context (NP_077282.3, residues 247-267): YYLIMLHFVM[His257Tyr]GQHHKAPFDG

ClinVar aggregate classification (germline): Uncertain significance (1 of 4 stars; one submission).

Conditions:
Hereditary spastic paraplegia 35. Also called: Spastic paraplegia 35; LEUKODYSTROPHY, DYSMYELINATING, AND SPASTIC PARAPARESIS WITH OR WITHOUT DYSTONIA; Spastic paraplegia 35, autosomal recessive; SPASTIC PARAPLEGIA 35, AUTOSOMAL RECESSIVE, WITH OR WITHOUT NEURODEGENERATION. Identifiers: Orphanet 171629, MedGen C3496228, MONDO:0012866, OMIM 612319.

Submission:

3billion
Classification: Uncertain significance for Hereditary spastic paraplegia 35. Last evaluated: 2026-01-19. Review status: criteria provided, single submitter. Criteria: ACMG Guidelines, 2015. Collection method: clinical testing. Allele origin: germline. Affected: yes.
Comment: The variant is not observed in the gnomAD v4.1.0 dataset. Predicted Consequence/Location: Missense variant In silico tool predictions suggest damaging effect of the variant on gene or gene product [REVEL: 0.97 (>=0.6, sensitivity 0.68 and specificity 0.92); 3Cnet: 0.93 (> 0.75, sensitivity 0.96 and precision 0.92)]. Therefore, this variant is classified as VUS according to the recommendation of ACMG/AMP guideline.